The following is an entry in ClinVar:

ClinVar aggregate classification (germline): Benign/Likely benign. Review status: criteria provided, multiple submitters, no conflicts (2 of 4 stars). 2 submissions from 2 submitters: Benign (1); Likely benign (1). Last evaluated 2024-04-05.

Conditions:
Amyotrophic lateral sclerosis type 21. Also called: VOCAL CORD AND PHARYNGEAL DYSFUNCTION WITH DISTAL MYOPATHY; MYOPATHY, DISTAL, 2. Identifiers: Orphanet 600, Orphanet 803, MedGen C3807521, MONDO:0011632, OMIM 606070.

Allele frequency attached by ClinVar (database versions not stated): gnomAD 0.00001 and 0.00002; TOPMed 0.00001; gnomAD exomes 0.00005 and 0.00008; ExAC 0.00009.

Submissions (2):

Labcorp Genetics (formerly Invitae), Labcorp
Classification: Likely benign for Amyotrophic lateral sclerosis type 21. Last evaluated: 2024-04-05. Review status: criteria provided, single submitter. Criteria: Invitae Variant Classification Sherloc (09022015). Collection method: clinical testing. Allele origin: germline.

Illumina Laboratory Services, Illumina
Classification: Benign for Amyotrophic lateral sclerosis type 21. Last evaluated: 2018-01-13. Review status: criteria provided, single submitter. Criteria: ICSL Variant Classification Criteria 13 December 2019. Collection method: clinical testing. Allele origin: germline.
Comment: This variant was observed in the ICSL laboratory as part of a predisposition screen in an ostensibly healthy population. It had not been previously curated by ICSL or reported in the Human Gene Mutation Database (HGMD: prior to June 1st, 2018), and was therefore a candidate for classification through an automated scoring system. Utilizing variant allele frequency, disease prevalence and penetrance estimates, and inheritance mode, an automated score was calculated to assess if this variant is too frequent to cause the disease. Based on the score and internal cut-off values, a variant classified as benign is not then subjected to further curation. The score for this variant resulted in a classification of benign for this disease.

NM_018834.6(MATR3):c.2271T>C (p.Asp757=)

Gene: MATR3 (matrin 3; plus strand). Cytogenetic location: 5q31.2.
Variant type: single nucleotide variant.
Coding change: c.2271T>C on transcript NM_018834.6 (MANE Select); coding-DNA position 2271, T replaced by C.
Protein change: p.Asp757=; no amino-acid change (aspartic acid 757 retained).
Molecular consequence: synonymous variant.
Genome position (GRCh38, 1-based): chr5:139,325,562, T>C. VCF-style: chr5-139325562-T-C. GRCh37 (hg19) VCF-style: chr5-138661251-T-C.
Other names: c.2271T>C, p.Asp757= (NM_001194954.2, NM_001194955.2, NM_199189.3); c.1407T>C, p.Asp469= (NM_001194956.2); c.1257T>C, p.Asp419= (NM_001282278.2).
Identifiers: ClinVar variation 723148 (VCV000723148.13), dbSNP rs753870064, ClinGen allele CA3433406.